The following is an entry in ClinVar:

ClinVar aggregate classification (germline): Uncertain significance (1 of 4 stars; one submission).

Submission:

Labcorp Genetics (formerly Invitae), Labcorp
Classification: Uncertain significance. Last evaluated: 2018-07-08. Review status: criteria provided, single submitter. Criteria: Invitae Variant Classification Sherloc (09022015). Collection method: clinical testing. Allele origin: germline.
Comment: This sequence change replaces glycine with aspartic acid at codon 1015 of the SZT2 protein (p.Gly1015Asp). The glycine residue is highly conserved and there is a moderate physicochemical difference between glycine and aspartic acid. This variant is not present in population databases (ExAC no frequency). This variant has not been reported in the literature in individuals with SZT2-related disease. Algorithms developed to predict the effect of missense changes on protein structure and function (SIFT, PolyPhen-2, Align-GVGD) all suggest that this variant is likely to be tolerated, but these predictions have not been confirmed by published functional studies and their clinical significance is uncertain. In summary, the available evidence is currently insufficient to determine the role of this variant in disease. Therefore, it has been classified as a Variant of Uncertain Significance.

NM_001365999.1(SZT2):c.3215G>A (p.Gly1072Asp)

Gene: SZT2 (SZT2 subunit of KICSTOR complex; plus strand). Cytogenetic location: 1p34.2.
Variant type: single nucleotide variant.
Coding change: c.3215G>A on transcript NM_001365999.1 (MANE Select); coding-DNA position 3215, G replaced by A.
Protein change: p.Gly1072Asp; replaces glycine 1072 with aspartic acid.
Molecular consequence: missense variant.
Genome position (GRCh38, 1-based): chr1:43,426,715, G>A. VCF-style: chr1-43426715-G-A. GRCh37 (hg19) VCF-style: chr1-43892386-G-A.
Other names: c.3044G>A, p.Gly1015Asp (NM_015284.4); short protein forms G1072D, G1015D.
Identifiers: ClinVar variation 643649 (VCV000643649.7), dbSNP rs1557556825, ClinGen allele CA340016453.
Genomic context (GRCh38, chr1:43,426,715, plus strand): 5'-CCAGAGTCCCGCCTCTCTGCTGGCCCTGCCCTCTTTCACCCATCTCTACCCCCATTGTAG[G>A]TGCCGAGGGGCCACTGCTGGGGGTTCATGGGATCCCGAAGGAGCAAGCAGTCGGCAGCAC-3'
Protein context (NP_001352928.1, residues 1062-1082): EVLRRTCHVP[Gly1072Asp]AEGPLLGVHG